The following is an entry in ClinVar:

NM_001080467.3(MYO5B):c.665A>G (p.Lys222Arg)

Gene: MYO5B (myosin VB; minus strand). Cytogenetic location: 18q21.1.
Variant type: single nucleotide variant.
Coding change: c.665A>G on transcript NM_001080467.3 (MANE Select); coding-DNA position 665, A replaced by G.
Protein change: p.Lys222Arg; replaces lysine 222 with arginine.
Molecular consequence: missense variant.
Genome position (GRCh38, 1-based): chr18:49,992,379, T>C on the plus strand (A>G on the coding strand, the complement: MYO5B is on the minus strand). VCF-style: chr18-49992379-T-C. GRCh37 (hg19) VCF-style: chr18-47518749-T-C.
Other names: short protein forms K222R.
Identifiers: ClinVar variation 4989044 (VCV004989044.1).

ClinVar aggregate classification (germline): Uncertain significance (1 of 4 stars; one submission).

Conditions:
MYO5B-related disorder. Also called: MYO5B-related condition.

gnomAD v4.1: 1 of 1,614,222 alleles (0.000062%); highest among the groups gnomAD compares: Non-Finnish European, 0.000085%; no homozygotes.

Submission:

PreventionGenetics, part of Exact Sciences
Classification: Uncertain significance for MYO5B-related condition. Last evaluated: 2025-12-11. Review status: criteria provided, single submitter. Criteria: ACMG Guidelines, 2015. Collection method: clinical testing. Allele origin: germline.
Comment: The MYO5B c.665A>G variant is predicted to result in the amino acid substitution p.Lys222Arg. To our knowledge, this variant has not been reported in the literature or in a large population database (gnomAD), indicating this variant is rare. At this time, the clinical significance of this variant is uncertain due to the absence of conclusive functional and genetic evidence.